The following is an entry in ClinVar:

ClinVar aggregate classification (germline): Uncertain significance (1 of 4 stars; one submission).

Conditions:
Perlman syndrome (PRLMNS). Identifiers: Orphanet 2849, MedGen C0796113, MONDO:0009965, OMIM 267000.

Allele frequency attached by ClinVar (database versions not stated): gnomAD exomes below 0.00001.
gnomAD v4.1: 1 of 1,613,942 alleles (0.000062%); highest among the groups gnomAD compares: Non-Finnish European, 0.000085%; no homozygotes.

Submission:

Labcorp Genetics (formerly Invitae), Labcorp
Classification: Uncertain significance for Perlman syndrome. Last evaluated: 2024-11-05. Review status: criteria provided, single submitter. Criteria: Invitae Variant Classification Sherloc (09022015). Collection method: clinical testing. Allele origin: germline.
Comment: This sequence change replaces serine, which is neutral and polar, with asparagine, which is neutral and polar, at codon 755 of the DIS3L2 protein (p.Ser755Asn). This variant is not present in population databases (gnomAD no frequency). This variant has not been reported in the literature in individuals affected with DIS3L2-related conditions. ClinVar contains an entry for this variant (Variation ID: 1515767). Invitae Evidence Modeling of protein sequence and biophysical properties (such as structural, functional, and spatial information, amino acid conservation, physicochemical variation, residue mobility, and thermodynamic stability) indicates that this missense variant is not expected to disrupt DIS3L2 protein function with a negative predictive value of 80%. In summary, the available evidence is currently insufficient to determine the role of this variant in disease. Therefore, it has been classified as a Variant of Uncertain Significance.

NM_152383.5(DIS3L2):c.2264G>A (p.Ser755Asn)

Gene: DIS3L2 (DIS3 like 3'-5' exoribonuclease 2; plus strand). Cytogenetic location: 2q37.1.
Variant type: single nucleotide variant.
Coding change: c.2264G>A on transcript NM_152383.5 (MANE Select); coding-DNA position 2264, G replaced by A.
Protein change: p.Ser755Asn; replaces serine 755 with asparagine.
Molecular consequence: missense variant. On other transcripts: non-coding transcript variant (2), intron variant (1).
Genome position (GRCh38, 1-based): chr2:232,334,474, G>A. VCF-style: chr2-232334474-G-A. GRCh37 (hg19) VCF-style: chr2-233199184-G-A.
Other names: c.1582-8871G>A (NM_001257281.2); short protein forms S755N.
Identifiers: ClinVar variation 1515767 (VCV001515767.8), dbSNP rs2106354412, ClinGen allele CA350977829.